The following is an entry in ClinVar:

NM_004360.5(CDH1):c.2343A>T (p.Glu781Asp)

Gene: CDH1 (cadherin 1; plus strand). Cytogenetic location: 16q22.1.
Variant type: single nucleotide variant.
Coding change: c.2343A>T on transcript NM_004360.5 (MANE Select); coding-DNA position 2343, A replaced by T.
Protein change: p.Glu781Asp; replaces glutamic acid 781 with aspartic acid.
Molecular consequence: missense variant.
Genome position (GRCh38, 1-based): chr16:68,829,701, A>T. VCF-style: chr16-68829701-A-T. GRCh37 (hg19) VCF-style: chr16-68863604-A-T.
Other names: c.2343A>T (LRG_301t1); c.2160A>T, p.Glu720Asp (NM_001317184.2); c.795A>T, p.Glu265Asp (NM_001317185.2); c.378A>T, p.Glu126Asp (NM_001317186.2); short protein forms E781D, E720D, E126D, E265D.
Identifiers: ClinVar variation 127923 (VCV000127923.49), dbSNP rs587780119, ClinGen allele CA151521.

ClinVar aggregate classification (germline): Likely benign. Review status: reviewed by expert panel (3 of 4 stars). 19 submissions from 19 submitters: Likely benign (1). 18 of the submissions do not count toward it. Last evaluated 2023-08-17.

Conditions:
CDH1-related diffuse gastric and lobular breast cancer syndrome. Also called: CDH1-related diffuse gastric and lobular breast cancer. Identifiers: MedGen CN311521, MONDO:0100488.
Breast and/or ovarian cancer. Identifiers: MedGen CN221562.
CDH1-related disorder. Also called: CDH1-related condition.
Hereditary cancer-predisposing syndrome. Also called: Tumor predisposition; Hereditary Cancer Syndrome; Neoplastic Syndromes, Hereditary; Hereditary neoplastic syndrome. Identifiers: Orphanet 140162, MedGen C0027672, MeSH D009386, MONDO:0015356.
Hereditary breast ovarian cancer syndrome. Also called: Hereditary breast and ovarian cancer; Hereditary breast and/or ovarian cancer syndrome; BRCA1- and BRCA2-Associated Hereditary Breast and Ovarian Cancer; Hereditary breast and ovarian cancer syndrome; Hereditary breast and ovarian cancer syndrome (HBOC); Breast and ovarian cancer. Identifiers: Orphanet 145, MedGen C0677776, MeSH D061325, MONDO:0003582. Disease mechanism: loss of function.
Hereditary diffuse gastric adenocarcinoma (HDGC). Also called: DIFFUSE GASTRIC AND LOBULAR BREAST CANCER SYNDROME. Identifiers: Orphanet 26106, MedGen C1708349, MONDO:0007648, OMIM 137215.

Allele frequency attached by ClinVar (database versions not stated): gnomAD 0.00006 and 0.00005; ExAC 0.00001; gnomAD exomes 0.00001.
gnomAD v4.1: 72 of 1,614,036 alleles (0.0045%); highest among the groups gnomAD compares: Non-Finnish European, 0.0055%; no homozygotes.

Submissions 1 to 11 of 19:

Clingen Gastric Cancer Variant Curation Expert Panel
Classification: Likely benign for CDH1-related diffuse gastric and lobular breast cancer syndrome. Last evaluated: 2023-08-17. Review status: reviewed by expert panel. Criteria: ClinGen CDH1 ACMG Specifications V3.1. Collection method: curation. Allele origin: germline. Inheritance: Autosomal dominant inheritance.
Comment: The c.2343A>T (p.Glu781Asp) missense variant has a frequency of 0.00001 (4 of 282,860) in gnomAD, with a maximum allele frequency of 0.00004 (1 of 24,970) in the African subpopulation. This variant has been observed in at least 100 individuals without DGC, SRC tumours or LBC and whose families do not suggest HDGC (BS2; SCV000149761.14, SCV000185618.5, SCV000288464.7). Although functional impact of this variant was reported from in vitro assays, functional assays except splicing assay are not applicable to CDH1 according to the CDH1 specific variant interpretation criteria. In summary, the clinical significance of this variant is classified as likely benign based on BS2 alone. ACMG/AMP criteria applied, as specified by the CDH1 Variant Curation Expert Panel (Variant Interpretation Guidelines Version 3.1): BS2.

Labcorp Genetics (formerly Invitae), Labcorp
Classification: Likely benign for Hereditary diffuse gastric adenocarcinoma. Last evaluated: 2026-01-31. Review status: criteria provided, single submitter. Criteria: Invitae Variant Classification Sherloc (09022015). Collection method: clinical testing. Allele origin: germline. Not counted in ClinVar's aggregate classification.

Women's Health and Genetics/Laboratory Corporation of America, LabCorp
Classification: Likely benign. Last evaluated: 2025-05-06. Review status: criteria provided, single submitter. Criteria: LabCorp Variant Classification Summary - May 2015. Collection method: clinical testing. Allele origin: germline. Not counted in ClinVar's aggregate classification.
Comment: Variant summary: CDH1 c.2343A>T (p.Glu781Asp) results in a conservative amino acid change in the encoded protein sequence. Algorithms developed to predict the effect of missense changes on protein structure and function are either unavailable or do not agree on the potential impact of this missense change. The variant allele was found at a frequency of 4.5e-05 in 1614036 control chromosomes, predominantly at a frequency of 5.5e-05 within the Non-Finnish European subpopulation in the gnomAD database. The observed variant frequency within Non-Finnish European control individuals in the gnomAD database is approximately 1.94 fold of the estimated maximal expected allele frequency for a pathogenic variant in CDH1 causing Hereditary Diffuse Gastric Cancer phenotype (2.8e-05). c.2343A>T has been reported in the presumed heterozygous state in the literature in individuals with a personal or family history of diffuse gastric cancer and lobular breast cancer, and also in individuals affected with other types of cancer (e.g. Kaurah_2007, Xie_2011, Benusiglio_2013, Ring_2016, Reuter_2018, Tsai_2019, Dorling_2021) but it was also reported in unaffected individuals and families with no record of lobular breast cancer or gastric cancer (e.g. Tsai_2019, Dorling_2021). Furthermore, the ClinGen CDH1 variant curation expert panel (VCEP) reports the variant has been observed in multiple individuals without DGC, SRC tumors or LBC and whose families do not suggest HDGC (Lee_2018 and ClinVar SCV001437608.1). Several publications functionally evaluated the variant and its effect on cell motility, cell aggregation, cell invasion, p120 binding, EGFR activation, protein localization at the plasma membrane, and protein expression. These studies provide conflicting results, ranging from defective cell aggregation and protein localization at plasma membrane, increased cell invasion, normal cellular motility and normal EGFR activation, making interpretation of the data inconclusive (Kaurah_2007, Mateus_2009, Figueiredo_2013, Sanches_2015). In addition, the ClinGen CDH1 VCEP concluded that none of the published in vitro and in vivo functional studies could be confidently used to predict pathogenicity of E-cadherin missense variants, and therefore functional assays for missense alterations should not be used for CDH1 variant classification (except splicing assays) (Lee_2018). The following publications have been ascertained in the context of this evaluation (PMID: 23709761, 22225527, 33471991, 22850631, 26182300, 28301460, 17545690, 30311375, 30745422, 19268661, 29431110, 27443514, 25388006, 30374176, 21271559). ClinVar contains an entry for this variant (Variation ID: 127923). Based on the evidence outlined above, the variant was classified as likely benign.

German Consortium for Hereditary Breast and Ovarian Cancer, University Hospital Cologne
Classification: Likely benign for Hereditary breast ovarian cancer syndrome. Last evaluated: 2025-04-08. Review status: criteria provided, single submitter. Criteria: ClinGen CDH1 V3.1.0. Collection method: curation. Allele origin: germline. Not counted in ClinVar's aggregate classification.
Comment: According to the ClinGen ACMG CDH1 v3.1.0 criteria we chose this criterion: BS2 (strong benign): ClinGen CDH1: This variant has been observed in at least 100 individuals without DGC, SRC tumours or LBC and whose families do not suggest HDGC (BS2; SCV000149761.14, SCV000185618.5, SCV000288464.7).

Color Diagnostics, LLC DBA Color Health
Classification: Likely benign for Hereditary cancer-predisposing syndrome. Last evaluated: 2024-09-25. Review status: criteria provided, single submitter. Criteria: ACMG Guidelines, 2015. Collection method: clinical testing. Allele origin: germline. Not counted in ClinVar's aggregate classification.

Quest Diagnostics Nichols Institute San Juan Capistrano
Classification: Likely benign. Last evaluated: 2024-05-17. Review status: criteria provided, single submitter. Criteria: Quest Diagnostics criteria. Collection method: clinical testing. Allele origin: unknown. Not counted in ClinVar's aggregate classification.

ARUP Laboratories, Molecular Genetics and Genomics, ARUP Laboratories
Classification: Likely benign. Last evaluated: 2023-12-07. Review status: criteria provided, single submitter. Criteria: ARUP Molecular Germline Variant Investigation Process 2024. Collection method: clinical testing. Allele origin: germline. Not counted in ClinVar's aggregate classification.

Department of Pathology and Laboratory Medicine, Sinai Health System
Classification: Likely benign for Hereditary diffuse gastric adenocarcinoma. Last evaluated: 2023-11-14. Review status: criteria provided, single submitter. Criteria: ACMG Guidelines, 2015. Collection method: clinical testing. Allele origin: germline. Affected: yes. Not counted in ClinVar's aggregate classification.

Myriad Genetics, Inc.
Classification: Uncertain significance for Hereditary diffuse gastric adenocarcinoma. Last evaluated: 2023-03-07. Review status: criteria provided, single submitter. Criteria: Myriad Autosomal Dominant, Autosomal Recessive and X-Linked Classification Criteria (2023). Collection method: clinical testing. Allele origin: unknown. Not counted in ClinVar's aggregate classification.
Comment: This variant is classified as a variant of uncertain significance as there is insufficient evidence to determine its impact on protein function and/or cancer risk.

CHEO Genetics Diagnostic Laboratory, Children's Hospital of Eastern Ontario
Classification: Uncertain significance for Breast and/or ovarian cancer. Last evaluated: 2022-12-21. Review status: criteria provided, single submitter. Criteria: ACMG Guidelines, 2015. Collection method: clinical testing. Allele origin: germline. Not counted in ClinVar's aggregate classification.

European Reference Network on Genetic Tumour Risk Syndromes (ERN-GENTURIS), i3s - Instituto de Investigação e Inovação em Saúde, University of Porto
Classification: Likely benign for Hereditary diffuse gastric adenocarcinoma. Last evaluated: 2022-08-01. Review status: criteria provided, single submitter. Criteria: Lee et al. (Hum Mutat. 2018). Collection method: clinical testing. Allele origin: germline. Inheritance: Autosomal dominant inheritance. Affected: yes. Study: ERN GENTURIS. Not counted in ClinVar's aggregate classification.
Comment: BS2 (PMID: 30311375)